The following is an entry in ClinVar:

NM_000184.3(HBG2):c.86T>A (p.Leu29Gln)

Genes: HBG2 (hemoglobin subunit gamma 2; minus strand), LOC106099065 (HBG2 recombination region; plus strand). Cytogenetic location: 11p15.4.
Variant type: single nucleotide variant.
Coding change: c.86T>A on transcript NM_000184.3 (MANE Select); coding-DNA position 86, T replaced by A.
Protein change: p.Leu29Gln; replaces leucine 29 with glutamine.
Molecular consequence: missense variant.
Genome position (GRCh38, 1-based): chr11:5,254,643, A>T on the plus strand (T>A on the coding strand, the complement: HBG2 is on the minus strand). VCF-style: chr11-5254643-A-T. GRCh37 (hg19) VCF-style: chr11-5275873-A-T.
Other names: short protein forms L29Q.
Identifiers: ClinVar variation 3075670 (VCV003075670.2), dbSNP rs1438114920, ClinGen allele CA379264959.
Genomic context (GRCh38, chr11:5,254,643, plus strand): 5'-TTGCCAGGCACAGGGTCCTTCCTTCCCTCCCTTGTCCTGGTCACCAGAGCCTACCTTCCC[A>T]GGGTTTCTCCTCCAGCATCTTCCACATTCACCTTGCCCCACAGGCTTGTGATAGTAGCCT-3'
Protein context (NP_000175.1, residues 19-39): VNVEDAGGET[Leu29Gln]GRLLVVYPWT

ClinVar aggregate classification (germline): Conflicting classifications of pathogenicity. Review status: criteria provided, conflicting classifications (1 of 4 stars). 2 submissions from 2 submitters: Likely pathogenic (1); Uncertain significance (1). Last evaluated 2025-07-28.

Conditions:
Cyanosis, transient neonatal (TNCY). Also called: CYANOSIS, TRANSIENT NEONATEL. Identifiers: Orphanet 280615, MedGen C3151421, MONDO:0013511, OMIM 613977.

Submissions (2):

GeneDx
Classification: Uncertain significance. Last evaluated: 2025-07-28. Review status: criteria provided, single submitter. Criteria: GeneDx Variant Classification Process June 2021. Collection method: clinical testing. Allele origin: germline. Affected: yes.
Comment: Not observed at significant frequency in large population cohorts (gnomAD); In silico analysis supports that this missense variant has a deleterious effect on protein structure/function; This variant is associated with the following publications: (PMID: 39746815)

Genomic Medicine Lab, University of California San Francisco
Classification: Likely pathogenic for Cyanosis, transient neonatal. Last evaluated: 2022-12-19. Review status: criteria provided, single submitter. Criteria: ACMG Guidelines, 2015. Collection method: clinical testing. Allele origin: maternal. Affected: yes.